The following is an entry in ClinVar:

ClinVar aggregate classification (germline): Uncertain significance (1 of 4 stars; one submission).

Conditions:
Zellweger spectrum disorders (ZS). Also called: Zellweger syndrome; Zellweger Spectrum Disorder; Zellweger Spectrum; Zellweger Spectrum Disorder (ZSD). Identifiers: Orphanet 912, MedGen C0043459, MONDO:0019609.

Submission:

Labcorp Genetics (formerly Invitae), Labcorp
Classification: Uncertain significance for Zellweger spectrum disorders. Last evaluated: 2025-04-07. Review status: criteria provided, single submitter. Criteria: Invitae Variant Classification Sherloc (09022015). Collection method: clinical testing. Allele origin: germline.
Comment: This sequence change replaces aspartic acid, which is acidic and polar, with tyrosine, which is neutral and polar, at codon 68 of the PEX1 protein (p.Asp68Tyr). This variant is not present in population databases (gnomAD no frequency). This variant has not been reported in the literature in individuals affected with PEX1-related conditions. Invitae Evidence Modeling of protein sequence and biophysical properties (such as structural, functional, and spatial information, amino acid conservation, physicochemical variation, residue mobility, and thermodynamic stability) indicates that this missense variant is not expected to disrupt PEX1 protein function with a negative predictive value of 95%. In summary, the available evidence is currently insufficient to determine the role of this variant in disease. Therefore, it has been classified as a Variant of Uncertain Significance.

NM_000466.3(PEX1):c.202G>T (p.Asp68Tyr)

Gene: PEX1 (peroxisomal biogenesis factor 1; minus strand). Cytogenetic location: 7q21.2.
Variant type: single nucleotide variant.
Coding change: c.202G>T on transcript NM_000466.3 (MANE Select); coding-DNA position 202, G replaced by T.
Protein change: p.Asp68Tyr; replaces aspartic acid 68 with tyrosine.
Molecular consequence: missense variant. On other transcripts: 5 prime UTR variant (1).
Genome position (GRCh38, 1-based): chr7:92,522,173, C>A on the plus strand (G>T on the coding strand, the complement: PEX1 is on the minus strand). VCF-style: chr7-92522173-C-A. GRCh37 (hg19) VCF-style: chr7-92151487-C-A.
Other names: c.202G>T, p.Asp68Tyr (NM_001282677.2); c.-458G>T (NM_001282678.2); short protein forms D68Y.
Identifiers: ClinVar variation 4747449 (VCV004747449.1).